The following is an entry in ClinVar:

NM_001127208.3(TET2):c.3152A>T (p.Gln1051Leu)

Genes: TET2 (tet methylcytosine dioxygenase 2; plus strand), TET2-AS1 (TET2 antisense RNA 1; minus strand). Cytogenetic location: 4q24.
Variant type: single nucleotide variant.
Coding change: c.3152A>T on transcript NM_001127208.3 (MANE Select); coding-DNA position 3152, A replaced by T.
Protein change: p.Gln1051Leu; replaces glutamine 1051 with leucine.
Molecular consequence: missense variant.
Genome position (GRCh38, 1-based): chr4:105,237,094, A>T. VCF-style: chr4-105237094-A-T. GRCh37 (hg19) VCF-style: chr4-106158251-A-T.
Other names: c.3152A>T, p.Gln1051Leu (NM_017628.4); short protein forms Q1051L.
Identifiers: ClinVar variation 4183013 (VCV004183013.1).

ClinVar aggregate classification (germline): Uncertain significance (1 of 4 stars; one submission).

gnomAD v4.1: 3 of 1,614,062 alleles (0.00019%); highest among the groups gnomAD compares: Non-Finnish European, 0.00025%; no homozygotes.

Submission:

Ambry Genetics
Classification: Uncertain significance. Last evaluated: 2025-08-08. Review status: criteria provided, single submitter. Criteria: Ambry Variant Classification Scheme 2023. Collection method: clinical testing. Allele origin: germline.
Comment: The p.Q1051L variant (also known as c.3152A>T), located in coding exon 1 of the TET2 gene, results from an A to T substitution at nucleotide position 3152. The glutamine at codon 1051 is replaced by leucine, an amino acid with dissimilar properties. This amino acid position is conserved. In addition, this alteration is predicted to be tolerated by in silico analysis. Based on the available evidence, the clinical significance of this variant remains unclear.